The following is an entry in ClinVar:

ClinVar aggregate classification (germline): Benign. Review status: reviewed by expert panel (3 of 4 stars). 32 submissions from 31 submitters: Benign (1). 31 of the submissions do not count toward it. Last evaluated 2015-08-10.

Conditions:
Breast and/or ovarian cancer. Identifiers: MedGen CN221562.
Hereditary cancer-predisposing syndrome. Also called: Neoplastic Syndromes, Hereditary; Tumor predisposition; Hereditary Cancer Syndrome; Hereditary neoplastic syndrome. Identifiers: Orphanet 140162, MedGen C0027672, MeSH D009386, MONDO:0015356.
Hereditary breast ovarian cancer syndrome. Also called: Hereditary breast and ovarian cancer; Breast and ovarian cancer; Hereditary breast and/or ovarian cancer syndrome; Hereditary breast and ovarian cancer syndrome (HBOC); Hereditary breast and ovarian cancer syndrome; BRCA1- and BRCA2-Associated Hereditary Breast and Ovarian Cancer. Identifiers: Orphanet 145, MedGen C0677776, MeSH D061325, MONDO:0003582. Disease mechanism: loss of function.
Breast-ovarian cancer, familial, susceptibility to, 2 (BROVCA2). Also called: BRCA2 Hereditary Breast and Ovarian Cancer. Identifiers: Orphanet 145, MedGen C2675520, MONDO:0012933, OMIM 612555. Disease mechanism: loss of function.
Fanconi anemia complementation group D1. Also called: BRCA2-Related Fanconi Anemia. Identifiers: Orphanet 319462, MedGen C1838457, MONDO:0011584, OMIM 605724.
Familial cancer of breast. Also called: BREAST CANCER, FAMILIAL; Hereditary breast cancer; hereditary breast carcinoma. Identifiers: Orphanet 227535, MedGen C0346153, MONDO:0016419, OMIM 114480. Disease mechanism: loss of function.
Malignant tumor of breast. Also called: Malignant breast neoplasm; Cancer breast. Identifiers: MedGen C0006142, MONDO:0007254. Disease mechanism: loss of function.

Allele frequency attached by ClinVar (database versions not stated): gnomAD 0.00032 and 0.00038; TOPMed 0.00056; gnomAD exomes 0.00079; ExAC 0.00082; 1000 Genomes Project 30x 0.00234; 1000 Genomes Project 0.00260.
gnomAD v4.1: 715 of 1,614,138 alleles (0.044%); highest among the groups gnomAD compares: East Asian, 1.2%; 6 homozygotes.

Submissions 1 to 21 of 32:

Evidence-based Network for the Interpretation of Germline Mutant Alleles (ENIGMA)
Classification: Benign for Breast-ovarian cancer, familial 2. Last evaluated: 2015-08-10. Review status: reviewed by expert panel. Criteria: ENIGMA BRCA1/2 Classification Criteria (2015). Collection method: curation. Allele origin: germline.
Comment: IARC class based on posterior probability from multifactorial likelihood analysis, thresholds for class as per Plon et al. 2008 (PMID: 18951446). Class 1 based on posterior probability = 0.0000165. Also class 1 based on frequency >1% in an outbred sampleset. Frequency 0.01224 (Asian), derived from 1000 genomes (2012-04-30).

Labcorp Genetics (formerly Invitae), Labcorp
Classification: Benign for Hereditary breast ovarian cancer syndrome. Last evaluated: 2026-02-03. Review status: criteria provided, single submitter. Criteria: Invitae Variant Classification Sherloc (09022015). Collection method: clinical testing. Allele origin: germline. Not counted in ClinVar's aggregate classification.

CeGaT Center for Human Genetics Tuebingen
Classification: Likely benign. Last evaluated: 2025-11-01. Review status: criteria provided, single submitter. Criteria: CeGaT Center For Human Genetics Tuebingen Variant Classification Criteria Version 2. Collection method: clinical testing. Allele origin: germline. Affected: yes. Observed: 1 variant allele. Not counted in ClinVar's aggregate classification.
Comment: BRCA2: BP4, BS1

GeneKor MSA
Classification: Benign for Hereditary breast ovarian cancer syndrome. Last evaluated: 2025-07-10. Review status: criteria provided, single submitter. Criteria: ACMG Guidelines, 2015. Collection method: clinical testing. Allele origin: germline. Not counted in ClinVar's aggregate classification.

Mayo Clinic Laboratories, Mayo Clinic
Classification: Benign. Last evaluated: 2025-03-10. Review status: criteria provided, single submitter. Criteria: ACMG Guidelines, 2015. Collection method: clinical testing. Allele origin: germline. Observed: 2 variant alleles. Not counted in ClinVar's aggregate classification.
Comment: BA1, BP4

Center for Genomic Medicine, Rigshospitalet, Copenhagen University Hospital
Classification: Benign. Last evaluated: 2025-03-04. Review status: criteria provided, single submitter. Criteria: ACMG Guidelines, 2015. Collection method: clinical testing. Allele origin: germline. Not counted in ClinVar's aggregate classification.

Institute for Biomarker Research, Medical Diagnostic Laboratories, L.L.C.
Classification: Benign for Hereditary breast ovarian cancer syndrome. Last evaluated: 2025-01-03. Review status: criteria provided, single submitter. Criteria: ACMG Guidelines, 2015. Collection method: clinical testing. Allele origin: germline. Not counted in ClinVar's aggregate classification.
Comment: The missense variant NM_000059.4(BRCA2):c.8187G>T (p.Lys2729Asn) has been reported to ClinVar as Benign with a status of (3 stars) reviewed by expert panel (Variation ID 38142 as of 2024-12-05).

Blueprint Genetics
Classification: Likely benign. Last evaluated: 2024-10-04. Review status: criteria provided, single submitter. Criteria: ACMG Guidelines, 2015. Collection method: clinical testing. Allele origin: germline. Not counted in ClinVar's aggregate classification.

ARUP Laboratories, Molecular Genetics and Genomics, ARUP Laboratories
Classification: Benign. Last evaluated: 2024-04-29. Review status: criteria provided, single submitter. Criteria: ARUP Molecular Germline Variant Investigation Process 2024. Collection method: clinical testing. Allele origin: germline. Not counted in ClinVar's aggregate classification.

KCCC/NGS Laboratory, Kuwait Cancer Control Center
Classification: Benign for Breast-ovarian cancer, familial, susceptibility to, 2. Last evaluated: 2023-07-07. Review status: criteria provided, single submitter. Criteria: ACMG Guidelines, 2015. Collection method: clinical testing. Allele origin: germline. Affected: yes. Not counted in ClinVar's aggregate classification.

Quest Diagnostics Nichols Institute San Juan Capistrano
Classification: Benign. Last evaluated: 2022-11-22. Review status: criteria provided, single submitter. Criteria: Quest Diagnostics criteria. Collection method: clinical testing. Allele origin: unknown. Not counted in ClinVar's aggregate classification.

CHEO Genetics Diagnostic Laboratory, Children's Hospital of Eastern Ontario
Classification: Likely benign for Breast and/or ovarian cancer. Last evaluated: 2021-06-02. Review status: criteria provided, single submitter. Criteria: ACMG Guidelines, 2015. Collection method: clinical testing. Allele origin: germline. Not counted in ClinVar's aggregate classification.

Laboratory for Molecular Medicine, Mass General Brigham Personalized Medicine
Classification: Benign. Last evaluated: 2020-08-10. Review status: criteria provided, single submitter. Criteria: ACMG Guidelines, 2015. Collection method: clinical testing. Allele origin: germline. Not counted in ClinVar's aggregate classification.
Comment: The p.Lys2729Asn variant in BRCA2 is classified as benign because it has been identified in 0.92% (183/19950) of East Asian chromosomes by gnomAD. ACMG/AMP Criteria applied: BA1.

Sema4
Classification: Benign for Hereditary cancer-predisposing syndrome. Last evaluated: 2020-06-10. Review status: criteria provided, single submitter. Criteria: Sema4 Curation Guidelines. Collection method: curation. Allele origin: germline. Not counted in ClinVar's aggregate classification.

Mendelics
Classification: Likely benign for Breast-ovarian cancer, familial, susceptibility to, 2. Last evaluated: 2019-05-28. Review status: criteria provided, single submitter. Criteria: Mendelics Assertion Criteria 2017. Collection method: clinical testing. Allele origin: unknown. Not counted in ClinVar's aggregate classification.

Illumina Laboratory Services, Illumina
Classification: Likely benign for Fanconi anemia complementation group D1. Last evaluated: 2019-01-10. Review status: criteria provided, single submitter. Criteria: ICSL Variant Classification Criteria 13 December 2019. Collection method: clinical testing. Allele origin: germline. Not counted in ClinVar's aggregate classification.
Comment: This variant was observed as part of a predisposition screen in an ostensibly healthy population. A literature search was performed for the gene, cDNA change, and amino acid change (where applicable). Publications were found based on this search. The evidence from the literature, in combination with allele frequency data from public databases where available, was sufficient to determine this variant is unlikely to cause disease. Therefore, this variant is classified as likely benign.

Illumina Laboratory Services, Illumina
Classification: Likely benign for Breast-ovarian cancer, familial, susceptibility to, 2. Last evaluated: 2019-01-10. Review status: criteria provided, single submitter. Criteria: ICSL Variant Classification Criteria 13 December 2019. Collection method: clinical testing. Allele origin: germline. Not counted in ClinVar's aggregate classification.
Comment: the same text as in the submission from Illumina Laboratory Services, Illumina above.

Molecular Genetics Laboratory, University of Michigan
Classification: Benign for Breast-ovarian cancer, familial, susceptibility to, 2. Last evaluated: 2016-04-21. Review status: criteria provided, single submitter. Criteria: ACMG Guidelines, 2015. Collection method: clinical testing. Allele origin: germline. Affected: yes. Not counted in ClinVar's aggregate classification.

Color Diagnostics, LLC DBA Color Health
Classification: Benign for Hereditary cancer-predisposing syndrome. Last evaluated: 2015-04-13. Review status: criteria provided, single submitter. Criteria: ACMG Guidelines, 2015. Collection method: clinical testing. Allele origin: germline. Not counted in ClinVar's aggregate classification.

Ambry Genetics
Classification: Benign for Hereditary cancer-predisposing syndrome. Last evaluated: 2014-11-19. Review status: criteria provided, single submitter. Criteria: Ambry Variant Classification Scheme 2023. Collection method: clinical testing. Allele origin: germline. Not counted in ClinVar's aggregate classification.

Molecular Endocrinology Laboratory, Christian Medical College
Classification: Uncertain significance for Breast-ovarian cancer, familial, susceptibility to, 2. Review status: criteria provided, single submitter. Criteria: ACMG Guidelines, 2015. Collection method: clinical testing. Allele origin: germline. Affected: yes. Not counted in ClinVar's aggregate classification.

NM_000059.4(BRCA2):c.8187G>T (p.Lys2729Asn)

Gene: BRCA2 (BRCA2 DNA repair associated; plus strand). Cytogenetic location: 13q13.1.
Variant type: single nucleotide variant.
Coding change: c.8187G>T on transcript NM_000059.4 (MANE Select); coding-DNA position 8187, G replaced by T.
Protein change: p.Lys2729Asn; replaces lysine 2729 with asparagine.
Molecular consequence: missense variant.
Genome position (GRCh38, 1-based): chr13:32,363,389, G>T. VCF-style: chr13-32363389-G-T. GRCh37 (hg19) VCF-style: chr13-32937526-G-T.
Other names: 8415G>T; 8415G-T; short protein forms K2729N.
Identifiers: ClinVar variation 38142 (VCV000038142.82), dbSNP rs80359065, ClinGen allele CA025498.
Genomic context (GRCh38, chr13:32,363,389, plus strand): 5'-TAGTGCAGATACCCAAAAAGTGGCCATTATTGAACTTACAGATGGGTGGTATGCTGTTAA[G>T]GCCCAGTTAGATCCTCCCCTCTTAGCTGTCTTAAAGAATGGCAGACTGACAGTTGGTCAG-3'
Protein context (NP_000050.3, residues 2719-2739): IELTDGWYAV[Lys2729Asn]AQLDPPLLAV